The following is an entry in ClinVar:

ClinVar aggregate classification (germline): Uncertain significance (1 of 4 stars; one submission).

Conditions:
Wilson disease (WND). Also called: Wilson's disease. Identifiers: Orphanet 905, MedGen C0019202, MONDO:0010200, OMIM 277900. Disease mechanism: loss of function.

Submission:

All of Us Research Program, National Institutes of Health
Classification: Uncertain significance for Wilson disease. Last evaluated: 2024-02-22. Review status: criteria provided, single submitter. Criteria: ACMG Guidelines, 2015. Collection method: clinical testing. Allele origin: germline. Inheritance: Autosomal recessive inheritance. Observed: 1 variant allele, 1 heterozygote.
Comment: This missense variant replaces phenylalanine with valine at codon 1144 of the ATP7B protein. Computational prediction is inconclusive regarding the impact of this variant on protein structure and function (internally defined REVEL score threshold 0.5 < inconclusive < 0.7, PMID: 27666373). To our knowledge, functional studies have not been reported for this variant. This variant has not been reported in individuals affected with ATP7B-related disorders in the literature. This variant has not been identified in the general population by the Genome Aggregation Database (gnomAD). The available evidence is insufficient to determine the role of this variant in disease conclusively. Therefore, this variant is classified as a Variant of Uncertain Significance.

This study involves interpretation of variants in research participants for the purpose of population health screening. Participant phenotype was not available at the time of variant classification. Additional details can be found in publication PMID: 35346344, PMCID: PMC8962531

NM_000053.4(ATP7B):c.3430T>G (p.Phe1144Val)

Gene: ATP7B (ATPase copper transporting beta; minus strand). Cytogenetic location: 13q14.3.
Variant type: single nucleotide variant.
Coding change: c.3430T>G on transcript NM_000053.4 (MANE Select); coding-DNA position 3430, T replaced by G.
Protein change: p.Phe1144Val; replaces phenylalanine 1144 with valine.
Molecular consequence: missense variant. On other transcripts: intron variant (2).
Genome position (GRCh38, 1-based): chr13:51,941,207, A>C on the plus strand (T>G on the coding strand, the complement: ATP7B is on the minus strand). VCF-style: chr13-51941207-A-C. GRCh37 (hg19) VCF-style: chr13-52515343-A-C.
Other names: c.2809T>G, p.Phe937Val (NM_001005918.3); c.3097T>G, p.Phe1033Val (NM_001243182.2); c.3196T>G, p.Phe1066Val (NM_001330578.2, NM_001406527.1, NM_001406528.1); c.3178T>G, p.Phe1060Val (NM_001330579.2, NM_001406531.1, NM_001406532.1); c.3430T>G, p.Phe1144Val (NM_001406511.1, NM_001406512.1, NM_001406526.1); c.3424T>G, p.Phe1142Val (NM_001406513.1); c.3253T>G, p.Phe1085Val (NM_001406524.1); c.3235T>G, p.Phe1079Val (NM_001406525.1); and 20 more; short protein forms F1001V, F1031V, F1033V, F1034V, F1048V, F1060V, F1064V, F1066V.
Identifiers: ClinVar variation 3387475 (VCV003387475.1).
Genomic context (GRCh38, chr13:51,941,207, plus strand): 5'-CGCTAGAAATGGTTAAACCGTTGCGCCTCAGCCACTCACGGTTTCCAATCAGCACAGAGA[A>C]GGTCTGGGGGACTGCATCTATTCAAAAGAGGCTGTGGTTATTTCTAAATGGTCCAATTTC-3'
Protein context (NP_000044.2, residues 1134-1154): PAEKDAVPQT[Phe1144Val]SVLIGNREWL